The following is an entry in ClinVar:

NM_001253852.3(AP4B1):c.2011A>G (p.Met671Val)

Genes: AP4B1-AS1 (AP4B1 antisense RNA 1; plus strand), AP4B1 (adaptor related protein complex 4 subunit beta 1; minus strand). Cytogenetic location: 1p13.2.
Variant type: single nucleotide variant.
Coding change: c.2011A>G on transcript NM_001253852.3 (MANE Select); coding-DNA position 2011, A replaced by G.
Protein change: p.Met671Val; replaces methionine 671 with valine.
Molecular consequence: missense variant.
Genome position (GRCh38, 1-based): chr1:113,895,274, T>C on the plus strand (A>G on the coding strand, the complement: AP4B1 is on the minus strand). VCF-style: chr1-113895274-T-C. GRCh37 (hg19) VCF-style: chr1-114437896-T-C.
Other names: c.1714A>G, p.Met572Val (NM_001253853.3); c.1507A>G, p.Met503Val (NM_001308312.2); c.2011A>G, p.Met671Val (NM_006594.5); short protein forms M671V, M572V, M503V.
Identifiers: ClinVar variation 588726 (VCV000588726.5), dbSNP rs1362886937, ClinGen allele CA341706472.

ClinVar aggregate classification (germline): Uncertain significance (1 of 4 stars; one submission).

Conditions:
Inborn genetic diseases. Identifiers: MedGen C0950123, MeSH D030342.

Allele frequency attached by ClinVar (database versions not stated): gnomAD 0.00001; gnomAD exomes 0.00001; TOPMed 0.00003.
gnomAD v4.1: 10 of 1,614,062 alleles (0.00062%); highest among the groups gnomAD compares: South Asian, 0.0022%; no homozygotes.

Submission:

Ambry Genetics
Classification: Uncertain significance for Inborn genetic diseases. Last evaluated: 2017-01-31. Review status: criteria provided, single submitter. Criteria: Ambry Variant Classification Scheme 2023. Collection method: clinical testing. Allele origin: germline.
Comment: The p.M671V variant (also known as c.2011A>G), located in coding exon 10 of the AP4B1 gene, results from an A to G substitution at nucleotide position 2011. The methionine at codon 671 is replaced by valine, an amino acid with highly similar properties. This amino acid position is not well conserved in available vertebrate species. In addition, this alteration is predicted to be tolerated by in silico analysis. Since supporting evidence is limited at this time, the clinical significance of this alteration remains unclear.